The following is an entry in ClinVar:

ClinVar aggregate classification (germline): Uncertain significance. Review status: criteria provided, single submitter (1 of 4 stars). 2 submissions from 2 submitters: Uncertain significance (1). 1 of the submissions does not count toward it. Last evaluated 2022-03-12.

Conditions:
IFIH1-related disorder. Also called: IFIH1-related condition.
Singleton-Merten syndrome 1 (SGMRT1). Also called: Widened medullary cavities of bone, aortic calcification, abnormal dentition, and muscular weakness; Syndrome of widened medullary cavities of the metacarpals and phalanges, aortic calcification and abnormal dentition. Identifiers: Orphanet 85191, MedGen C4225427, MONDO:0024535, OMIM 182250.
Aicardi-Goutieres syndrome 7 (AGS7). Identifiers: Orphanet 51, MedGen C3888244, MONDO:0014367, OMIM 615846.

Allele frequency attached by ClinVar (database versions not stated): gnomAD exomes below 0.00001.
gnomAD v4.1: 3 of 1,612,316 alleles (0.00019%); highest among the groups gnomAD compares: African/African-American, 0.0027%; no homozygotes.

Submissions (2):

Labcorp Genetics (formerly Invitae), Labcorp
Classification: Uncertain significance for Aicardi-Goutieres syndrome 7; Singleton-Merten syndrome 1. Last evaluated: 2022-03-12. Review status: criteria provided, single submitter. Criteria: Invitae Variant Classification Sherloc (09022015). Collection method: clinical testing. Allele origin: germline.
Comment: This variant has not been reported in the literature in individuals affected with IFIH1-related conditions. This variant is not present in population databases (gnomAD no frequency). This sequence change replaces alanine, which is neutral and non-polar, with glycine, which is neutral and non-polar, at codon 500 of the IFIH1 protein (p.Ala500Gly). Algorithms developed to predict the effect of missense changes on protein structure and function (SIFT, PolyPhen-2, Align-GVGD) all suggest that this variant is likely to be tolerated. In summary, the available evidence is currently insufficient to determine the role of this variant in disease. Therefore, it has been classified as a Variant of Uncertain Significance.

PreventionGenetics, part of Exact Sciences
Classification: Uncertain significance for IFIH1-related condition. Last evaluated: 2023-10-24. Review status: no assertion criteria provided. Collection method: clinical testing. Allele origin: germline. Not counted in ClinVar's aggregate classification.
Comment: The IFIH1 c.1499C>G variant is predicted to result in the amino acid substitution p.Ala500Gly. To our knowledge, this variant has not been reported in the literature or in a large population database, indicating this variant is rare. At this time, the clinical significance of this variant is uncertain due to the absence of conclusive functional and genetic evidence.

NM_022168.4(IFIH1):c.1499C>G (p.Ala500Gly)

Gene: IFIH1 (interferon induced with helicase C domain 1; minus strand). Cytogenetic location: 2q24.2.
Variant type: single nucleotide variant.
Coding change: c.1499C>G on transcript NM_022168.4 (MANE Select); coding-DNA position 1499, C replaced by G.
Protein change: p.Ala500Gly; replaces alanine 500 with glycine.
Molecular consequence: missense variant.
Genome position (GRCh38, 1-based): chr2:162,281,353, G>C on the plus strand (C>G on the coding strand, the complement: IFIH1 is on the minus strand). VCF-style: chr2-162281353-G-C. GRCh37 (hg19) VCF-style: chr2-163137863-G-C.
Other names: c.1499C>G (NM_022168.3); short protein forms A500G.
Identifiers: ClinVar variation 2109756 (VCV002109756.6), dbSNP rs2468964073, ClinGen allele CA349002045.